The following is an entry in ClinVar:

ClinVar aggregate classification (germline): Uncertain significance (1 of 4 stars; one submission).

Conditions:
Hypertrophic cardiomyopathy. Also called: HYPERTROPHIC MYOCARDIOPATHY. Identifiers: Orphanet 217569, MedGen C0007194, MeSH D002312, MONDO:0005045, HP:0001639.

gnomAD v4.1: 1 of 1,597,232 alleles (0.000063%); highest among the groups gnomAD compares: Non-Finnish European, 0.000085%; no homozygotes.

Submission:

Labcorp Genetics (formerly Invitae), Labcorp
Classification: Uncertain significance for Hypertrophic cardiomyopathy. Last evaluated: 2026-01-20. Review status: criteria provided, single submitter. Criteria: Invitae Variant Classification Sherloc (09022015). Collection method: clinical testing. Allele origin: germline.
Comment: This sequence change replaces glycine, which is neutral and non-polar, with glutamic acid, which is acidic and polar, at codon 5 of the MYBPC3 protein (p.Gly5Glu). This variant is not present in population databases (gnomAD no frequency). This variant has not been reported in the literature in individuals affected with MYBPC3-related conditions. An algorithm developed to predict the effect of missense changes on protein structure and function (PolyPhen-2) suggests that this variant is likely to be tolerated. In summary, the available evidence is currently insufficient to determine the role of this variant in disease. Therefore, it has been classified as a Variant of Uncertain Significance.

NM_000256.3(MYBPC3):c.14G>A (p.Gly5Glu)

Gene: MYBPC3 (myosin binding protein C3; minus strand). Cytogenetic location: 11p11.2.
Variant type: single nucleotide variant.
Coding change: c.14G>A on transcript NM_000256.3 (MANE Select); coding-DNA position 14, G replaced by A.
Protein change: p.Gly5Glu; replaces glycine 5 with glutamic acid.
Molecular consequence: missense variant.
Genome position (GRCh38, 1-based): chr11:47,352,634, C>T on the plus strand (G>A on the coding strand, the complement: MYBPC3 is on the minus strand). VCF-style: chr11-47352634-C-T. GRCh37 (hg19) VCF-style: chr11-47374185-C-T.
Other names: short protein forms G5E.
Identifiers: ClinVar variation 4735862 (VCV004735862.1).